The following is an entry in ClinVar:

NM_001376.5(DYNC1H1):c.343A>G (p.Ser115Gly)

Gene: DYNC1H1 (dynein cytoplasmic 1 heavy chain 1; plus strand). Cytogenetic location: 14q32.31.
Variant type: single nucleotide variant.
Coding change: c.343A>G on transcript NM_001376.5 (MANE Select); coding-DNA position 343, A replaced by G.
Protein change: p.Ser115Gly; replaces serine 115 with glycine.
Molecular consequence: missense variant.
Genome position (GRCh38, 1-based): chr14:101,975,798, A>G. VCF-style: chr14-101975798-A-G. GRCh37 (hg19) VCF-style: chr14-102442135-A-G.
Other names: short protein forms S115G.
Identifiers: ClinVar variation 1393510 (VCV001393510.6), dbSNP rs2141266719, ClinGen allele CA391006520.

ClinVar aggregate classification (germline): Uncertain significance (1 of 4 stars; one submission).

Conditions:
Charcot-Marie-Tooth disease axonal type 2O. Also called: CHARCOT-MARIE-TOOTH NEUROPATHY, AXONAL, TYPE 2O; CHARCOT-MARIE-TOOTH DISEASE, AXONAL, AUTOSOMAL DOMINANT, TYPE 2O; Charcot-Marie-Tooth Neuropathy Type 2O; Charcot-Marie-Tooth disease, axonal, type 20. Identifiers: Orphanet 284232, MedGen C3280220, MONDO:0013644, OMIM 614228.

Submission:

Labcorp Genetics (formerly Invitae), Labcorp
Classification: Uncertain significance for Charcot-Marie-Tooth disease axonal type 2O. Last evaluated: 2022-07-25. Review status: criteria provided, single submitter. Criteria: Invitae Variant Classification Sherloc (09022015). Collection method: clinical testing. Allele origin: germline.
Comment: Algorithms developed to predict the effect of missense changes on protein structure and function (SIFT, PolyPhen-2, Align-GVGD) all suggest that this variant is likely to be tolerated. This sequence change replaces serine, which is neutral and polar, with glycine, which is neutral and non-polar, at codon 115 of the DYNC1H1 protein (p.Ser115Gly). This variant is not present in population databases (gnomAD no frequency). This variant has not been reported in the literature in individuals affected with DYNC1H1-related conditions. ClinVar contains an entry for this variant (Variation ID: 1393510). In summary, the available evidence is currently insufficient to determine the role of this variant in disease. Therefore, it has been classified as a Variant of Uncertain Significance.